The following is an entry in ClinVar:

NM_005085.4(NUP214):c.6060C>T (p.Ser2020=)

Gene: NUP214 (nucleoporin 214; plus strand). Cytogenetic location: 9q34.13.
Variant type: single nucleotide variant.
Coding change: c.6060C>T on transcript NM_005085.4 (MANE Select); coding-DNA position 6060, C replaced by T.
Protein change: p.Ser2020=; no amino-acid change (serine 2020 retained).
Molecular consequence: synonymous variant.
Genome position (GRCh38, 1-based): chr9:131,228,317, C>T. VCF-style: chr9-131228317-C-T. GRCh37 (hg19) VCF-style: chr9-134103704-C-T.
Other names: c.6030C>T, p.Ser2010= (NM_001318324.2); c.2538C>T, p.Ser846= (NM_001318325.2).
Identifiers: ClinVar variation 3036540 (VCV003036540.2), dbSNP rs147668436, ClinGen allele CA5290312.

ClinVar aggregate classification (germline): Likely benign (0 of 4 stars; one submission).

Conditions:
NUP214-related disorder. Also called: NUP214-related condition; NUP214-related disorders.

Allele frequency attached by ClinVar (database versions not stated): ExAC 0.00021; gnomAD 0.00026; TOPMed 0.00028; 1000 Genomes Project 30x 0.00031; 1000 Genomes Project 0.00040; ESP Exome Variant Server 0.00054.
gnomAD v4.1: 482 of 1,589,244 alleles (0.03%); highest among the groups gnomAD compares: Non-Finnish European, 0.038%; no homozygotes.

Submission:

PreventionGenetics, part of Exact Sciences
Classification: Likely benign for NUP214-related condition. Last evaluated: 2020-01-02. Review status: no assertion criteria provided. Collection method: clinical testing. Allele origin: germline.
Comment: This variant is classified as likely benign based on ACMG/AMP sequence variant interpretation guidelines (Richards et al. 2015 PMID: 25741868, with internal and published modifications).